The following is an entry in ClinVar:

NM_006978.3(RNF113A):c.484T>C (p.Tyr162His)

Gene: RNF113A (ring finger protein 113A; minus strand). Cytogenetic location: Xq24.
Variant type: single nucleotide variant.
Coding change: c.484T>C on transcript NM_006978.3 (MANE Select); coding-DNA position 484, T replaced by C.
Protein change: p.Tyr162His; replaces tyrosine 162 with histidine.
Molecular consequence: missense variant.
Genome position (GRCh38, 1-based): chrX:119,871,130, A>G on the plus strand (T>C on the coding strand, the complement: RNF113A is on the minus strand). VCF-style: chrX-119871130-A-G. GRCh37 (hg19) VCF-style: chrX-119005093-A-G.
Other names: short protein forms Y162H.
Identifiers: ClinVar variation 1029121 (VCV001029121.2), dbSNP rs2056408187, ClinGen allele CA414188212.

ClinVar aggregate classification (germline): Uncertain significance. Review status: criteria provided, multiple submitters, no conflicts (2 of 4 stars). 2 submissions from 2 submitters: Uncertain significance (2). Last evaluated 2025-07-22.

Conditions:
Trichothiodystrophy 5, nonphotosensitive (TTD5). Identifiers: Orphanet 33364, MedGen C4225420, MONDO:0010495, OMIM 300953.

Submissions (2):

Labcorp Genetics (formerly Invitae), Labcorp
Classification: Uncertain significance. Last evaluated: 2025-07-22. Review status: criteria provided, single submitter. Criteria: Invitae Variant Classification Sherloc (09022015). Collection method: clinical testing. Allele origin: germline.
Comment: This sequence change replaces tyrosine, which is neutral and polar, with histidine, which is basic and polar, at codon 162 of the RNF113A protein (p.Tyr162His). This variant is not present in population databases (gnomAD no frequency). This variant has not been reported in the literature in individuals affected with RNF113A-related conditions. ClinVar contains an entry for this variant (Variation ID: 1029121). Invitae Evidence Modeling of protein sequence and biophysical properties (such as structural, functional, and spatial information, amino acid conservation, physicochemical variation, residue mobility, and thermodynamic stability) indicates that this missense variant is not expected to disrupt RNF113A protein function with a negative predictive value of 80%. In summary, the available evidence is currently insufficient to determine the role of this variant in disease. Therefore, it has been classified as a Variant of Uncertain Significance.

Baylor Genetics
Classification: Uncertain significance for Trichothiodystrophy 5, nonphotosensitive. Last evaluated: 2020-02-23. Review status: criteria provided, single submitter. Criteria: ACMG Guidelines, 2015. Collection method: clinical testing. Allele origin: unknown. Affected: yes.
Comment: This variant was determined to be of uncertain significance according to ACMG Guidelines, 2015 [PMID:25741868].